The following is an entry in ClinVar:

NM_001130144.3(LTBP3):c.1924C>G (p.His642Asp)

Genes: LTBP3 (latent transforming growth factor beta binding protein 3; minus strand), LOC130006032 (ATAC-STARR-seq lymphoblastoid silent region 3535; plus strand). Cytogenetic location: 11q13.1.
Variant type: single nucleotide variant.
Coding change: c.1924C>G on transcript NM_001130144.3 (MANE Select); coding-DNA position 1924, C replaced by G.
Protein change: p.His642Asp; replaces histidine 642 with aspartic acid.
Molecular consequence: missense variant.
Genome position (GRCh38, 1-based): chr11:65,547,744, G>C on the plus strand (C>G on the coding strand, the complement: LTBP3 is on the minus strand). VCF-style: chr11-65547744-G-C. GRCh37 (hg19) VCF-style: chr11-65315215-G-C.
Other names: c.1573C>G, p.His525Asp (NM_001164266.1); c.1924C>G, p.His642Asp (NM_021070.4); short protein forms H642D, H525D.
Identifiers: ClinVar variation 2976802 (VCV002976802.3), dbSNP rs868867736, ClinGen allele CA381271396.

ClinVar aggregate classification (germline): Uncertain significance (1 of 4 stars; one submission).

Conditions:
Brachyolmia-amelogenesis imperfecta syndrome. Also called: PLATYSPONDYLY WITH AMELOGENESIS IMPERFECTA; Tooth agenesis, selective, 6; Dental anomalies and short stature. Identifiers: Orphanet 2899, MedGen C1832594, MONDO:0011018, OMIM 601216. Disease mechanism: loss of function.

Allele frequency attached by ClinVar (database versions not stated): TOPMed below 0.00001.
gnomAD v4.1: 1 of 1,608,802 alleles (0.000062%); highest among the groups gnomAD compares: Non-Finnish European, 0.000085%; no homozygotes.

Submission:

Labcorp Genetics (formerly Invitae), Labcorp
Classification: Uncertain significance for Brachyolmia-amelogenesis imperfecta syndrome. Last evaluated: 2023-02-21. Review status: criteria provided, single submitter. Criteria: Invitae Variant Classification Sherloc (09022015). Collection method: clinical testing. Allele origin: germline.
Comment: In summary, the available evidence is currently insufficient to determine the role of this variant in disease. Therefore, it has been classified as a Variant of Uncertain Significance. An algorithm developed to predict the effect of missense changes on protein structure and function (PolyPhen-2) suggests that this variant is likely to be tolerated. This variant has not been reported in the literature in individuals affected with LTBP3-related conditions. This variant is not present in population databases (gnomAD no frequency). This sequence change replaces histidine, which is basic and polar, with aspartic acid, which is acidic and polar, at codon 642 of the LTBP3 protein (p.His642Asp).